The following is an entry in ClinVar:

ClinVar aggregate classification (germline): Pathogenic/Likely pathogenic. Review status: criteria provided, multiple submitters, no conflicts (2 of 4 stars). 2 submissions from 2 submitters: Pathogenic (1); Likely pathogenic (1). Last evaluated 2026-03-27.

Conditions:
Pendred syndrome (PDS). Also called: Pendred Syndrome (PDS); DEAFNESS WITH GOITER; GOITER-DEAFNESS SYNDROME; HYPOTHYROIDISM, CONGENITAL, DUE TO DYSHORMONOGENESIS, 2B; THYROID DYSHORMONOGENESIS 2B; THYROID HORMONOGENESIS, GENETIC DEFECT IN, 2B. Identifiers: Orphanet 705, MedGen C0271829, MONDO:0010134, OMIM 274600.

Allele frequency attached by ClinVar (database versions not stated): gnomAD exomes below 0.00001 and 0.00001; ExAC 0.00001; gnomAD 0.00001; TOPMed 0.00001.
gnomAD v4.1: 8 of 1,614,038 alleles (0.0005%); highest among the groups gnomAD compares: African/African-American, 0.0013%; no homozygotes.

Submissions (2):

Myriad Genetics, Inc.
Classification: Likely pathogenic for Pendred syndrome. Last evaluated: 2026-03-27. Review status: criteria provided, single submitter. Criteria: Myriad Autosomal Dominant, Autosomal Recessive and X-Linked Classification Criteria (2023). Collection method: clinical testing. Allele origin: unknown.
Comment: NM_000441.1(SLC26A4):c.704A>G(Q235R) is a missense variant classified as likely pathogenic in the context of Pendred syndrome. Q235R has been observed in cases with relevant disease (PMID: 34680964, 26236732, 26894580). Relevant functional assessments of this variant are not available in the literature. Internal structural analysis of the variant is supportive of pathogenicity. Q235R has been observed in referenced population frequency databases. In summary, NM_000441.1(SLC26A4):c.704A>G(Q235R) is a missense variant that has internal structural support for pathogenicity and has been observed more frequently in cases with the relevant disease than in healthy populations. Please note: this variant was assessed in the context of healthy population screening.

Labcorp Genetics (formerly Invitae), Labcorp
Classification: Pathogenic. Last evaluated: 2025-12-22. Review status: criteria provided, single submitter. Criteria: Invitae Variant Classification Sherloc (09022015). Collection method: clinical testing. Allele origin: germline.
Comment: This sequence change replaces glutamine, which is neutral and polar, with arginine, which is basic and polar, at codon 235 of the SLC26A4 protein (p.Gln235Arg). This variant is present in population databases (rs752485540, gnomAD 0.0009%). This missense change has been observed in individuals with SLC26A4-related conditions (PMID: 26236732, 26894580). ClinVar contains an entry for this variant (Variation ID: 1452990). Invitae Evidence Modeling of protein sequence and biophysical properties (such as structural, functional, and spatial information, amino acid conservation, physicochemical variation, residue mobility, and thermodynamic stability) indicates that this missense variant is expected to disrupt SLC26A4 protein function with a positive predictive value of 95%. For these reasons, this variant has been classified as Pathogenic.

Literature cited by the submitters: PubMed 26236732 (cited by Myriad Genetics, Inc. and Labcorp Genetics (formerly Invitae), Labcorp); PubMed 26894580 (cited by Myriad Genetics, Inc. and Labcorp Genetics (formerly Invitae), Labcorp); PubMed 34680964 (cited by Myriad Genetics, Inc.).

NM_000441.2(SLC26A4):c.704A>G (p.Gln235Arg)

Gene: SLC26A4 (solute carrier family 26 member 4; plus strand). Cytogenetic location: 7q22.3.
Variant type: single nucleotide variant.
Coding change: c.704A>G on transcript NM_000441.2 (MANE Select); coding-DNA position 704, A replaced by G.
Protein change: p.Gln235Arg; replaces glutamine 235 with arginine.
Molecular consequence: missense variant.
Genome position (GRCh38, 1-based): chr7:107,675,048, A>G. VCF-style: chr7-107675048-A-G. GRCh37 (hg19) VCF-style: chr7-107315493-A-G.
Other names: short protein forms Q235R.
Identifiers: ClinVar variation 1452990 (VCV001452990.9), dbSNP rs752485540, ClinGen allele CA4432549.
Genomic context (GRCh38, chr7:107,675,048, plus strand): 5'-TGGCAGATCCTTTGGTTGGTGGCTTCACAACAGCTGCTGCCTTCCAAGTGCTGGTCTCAC[A>G]GCTAAAGATTGTCCTCAATGTTTCAACCAAAAACTACAATGGAGTTCTCTCTATTATCTA-3'
Protein context (NP_000432.1, residues 225-245): TAAAFQVLVS[Gln235Arg]LKIVLNVSTK